The following is an entry in ClinVar:

NM_022124.6(CDH23):c.3179G>C (p.Arg1060Pro)

Gene: CDH23 (cadherin related 23; plus strand). Cytogenetic location: 10q22.1.
Variant type: single nucleotide variant.
Coding change: c.3179G>C on transcript NM_022124.6 (MANE Select); coding-DNA position 3179, G replaced by C.
Protein change: p.Arg1060Pro; replaces arginine 1060 with proline.
Molecular consequence: missense variant.
Genome position (GRCh38, 1-based): chr10:71,709,170, G>C. VCF-style: chr10-71709170-G-C. GRCh37 (hg19) VCF-style: chr10-73468927-G-C.
Other names: c.3179G>C, p.Arg1060Pro (NM_001171930.2); c.3179G>C (NM_022124.5); short protein forms R1060P.
Identifiers: ClinVar variation 1060503 (VCV001060503.5), dbSNP rs536438868, ClinGen allele CA5544504.
Genomic context (GRCh38, chr10:71,709,170, plus strand): 5'-ATGGGAAGTTCAGCGTGGGTTACCGCGATGCCGTTGTGAGAACCGTGGTGGGCCTGGACC[G>C]GGAGACCACAGCCGCCTACATGCTCATCCTGGAGGCCATCGGTATGCACCAGTCCCGCAC-3'
Protein context (NP_071407.4, residues 1050-1070): AVVRTVVGLD[Arg1060Pro]ETTAAYMLIL

ClinVar aggregate classification (germline): Uncertain significance. Review status: criteria provided, multiple submitters, no conflicts (2 of 4 stars). 2 submissions from 2 submitters: Uncertain significance (2). Last evaluated 2024-01-03.

Conditions:
Inborn genetic diseases. Identifiers: MedGen C0950123, MeSH D030342.

gnomAD v4.1: 4 of 1,613,850 alleles (0.00025%); highest among the groups gnomAD compares: African/African-American, 0.0053%; no homozygotes.

Submissions (2):

Ambry Genetics
Classification: Uncertain significance for Inborn genetic diseases. Last evaluated: 2024-01-03. Review status: criteria provided, single submitter. Criteria: Ambry Variant Classification Scheme 2023. Collection method: clinical testing. Allele origin: germline.
Comment: The c.3179G>C (p.R1060P) alteration is located in exon 27 (coding exon 26) of the CDH23 gene. This alteration results from a G to C substitution at nucleotide position 3179, causing the arginine (R) at amino acid position 1060 to be replaced by a proline (P). Based on data from gnomAD, the C allele has an overall frequency of <0.001% (1/248718) total alleles studied. The highest observed frequency was 0.007% (1/15456) of African alleles. This amino acid position is highly conserved in available vertebrate species. This alteration is predicted to be deleterious by in silico analysis. Based on insufficient or conflicting evidence, the clinical significance of this alteration remains unclear.

Labcorp Genetics (formerly Invitae), Labcorp
Classification: Uncertain significance. Last evaluated: 2022-10-17. Review status: criteria provided, single submitter. Criteria: Invitae Variant Classification Sherloc (09022015). Collection method: clinical testing. Allele origin: germline.
Comment: This sequence change replaces arginine, which is basic and polar, with proline, which is neutral and non-polar, at codon 1060 of the CDH23 protein (p.Arg1060Pro). This variant is present in population databases (rs536438868, gnomAD 0.007%). This missense change has been observed in individual(s) with clinical features of Usher syndrome (Invitae). ClinVar contains an entry for this variant (Variation ID: 1060503). Advanced modeling of protein sequence and biophysical properties (such as structural, functional, and spatial information, amino acid conservation, physicochemical variation, residue mobility, and thermodynamic stability) has been performed at Invitae for this missense variant, however the output from this modeling did not meet the statistical confidence thresholds required to predict the impact of this variant on CDH23 protein function. In summary, the available evidence is currently insufficient to determine the role of this variant in disease. Therefore, it has been classified as a Variant of Uncertain Significance.